The following is an entry in ClinVar:

ClinVar aggregate classification (germline): Pathogenic (1 of 4 stars; one submission).

Submission:

Labcorp Genetics (formerly Invitae), Labcorp
Classification: Pathogenic. Last evaluated: 2022-06-13. Review status: criteria provided, single submitter. Criteria: Invitae Variant Classification Sherloc (09022015). Collection method: clinical testing. Allele origin: germline.
Comment: For these reasons, this variant has been classified as Pathogenic. This variant has not been reported in the literature in individuals affected with LPIN1-related conditions. This variant is not present in population databases (gnomAD no frequency). This sequence change creates a premature translational stop signal (p.Ser758Alafs*10) in the LPIN1 gene. It is expected to result in an absent or disrupted protein product. Loss-of-function variants in LPIN1 are known to be pathogenic (PMID: 18817903, 20583302, 22481384, 26111941).

Literature cited by the submitters: PubMed 18817903; PubMed 20583302; PubMed 22481384; PubMed 26111941.

NM_001349206.2(LPIN1):c.2380del (p.Ser794fs)

Gene: LPIN1 (lipin 1; plus strand). Cytogenetic location: 2p25.1.
Variant type: Deletion.
Coding change: c.2380del on transcript NM_001349206.2 (MANE Select); coding-DNA position 2380, one base deleted (A; older notation c.2380delA).
Protein change: p.Ser794fs; shifts the reading frame from serine 794.
Molecular consequence: frameshift variant. On other transcripts: non-coding transcript variant (1).
Genome position (GRCh38, 1-based): chr2:11,815,218, A deleted. VCF-style (leftmost placement, unchanged base first): chr2-11815217-CA-C. GRCh37 (hg19) VCF-style: chr2-11955343-CA-C.
Other names: c.2470del, p.Ser824fs (NM_001349207.2); c.2419del, p.Ser807fs (NM_001349208.2); c.2272del, p.Ser758fs (NM_145693.4, NM_001349199.2); c.2290del, p.Ser764fs (NM_001261427.3); c.2527del, p.Ser843fs (NM_001261428.3); c.2350del, p.Ser784fs (NM_001349200.2, NM_001349201.2); c.2377del, p.Ser793fs (NM_001349202.2, NM_001349203.2); c.2380del, p.Ser794fs (NM_001349204.2, NM_001349205.2); short protein forms S784fs, S793fs, S843fs, S794fs, S807fs, S758fs, S764fs, S824fs.
Identifiers: ClinVar variation 1357179 (VCV001357179.6), dbSNP rs2148722723, ClinGen allele CA2573133148.
Genomic context (GRCh38, chr2:11,815,217, plus strand): 5'-GCACTGGGTCAACGAGAGGGGCACGGTGCTGCCCCAGGGGCCCCTGCTGCTGAGTCCCAG[CA>C]GCCTCTTCTCTGCCCTGCACAGGTACCAGGCCTGCTCCCTGCACCTCCATCTGTGAGCCT-3'